The following is an entry in ClinVar:

ClinVar aggregate classification (germline): Uncertain significance (1 of 4 stars; one submission).

Conditions:
Neuropathy, hereditary sensory and autonomic, type 2A (HSAN2A). Also called: WNK1-Related HSAN2 (HSAN2A); MORVAN DISEASE; NEUROPATHY, CONGENITAL SENSORY; NEUROPATHY, HEREDITARY SENSORY RADICULAR, AUTOSOMAL RECESSIVE; NEUROPATHY, HEREDITARY SENSORY, TYPE IIA; NEUROPATHY, PROGRESSIVE SENSORY, OF CHILDREN. Identifiers: Orphanet 970, MedGen C2752089, MONDO:0024309, OMIM 201300.
Generalized epilepsy with febrile seizures plus, type 7 (GEFSP7). Also called: GEFS+, TYPE 7. Identifiers: Orphanet 36387, MedGen C2751778, MONDO:0013470, OMIM 613863.

Submission:

Labcorp Genetics (formerly Invitae), Labcorp
Classification: Uncertain significance for Neuropathy, hereditary sensory and autonomic, type 2A; Generalized epilepsy with febrile seizures plus, type 7. Last evaluated: 2022-10-13. Review status: criteria provided, single submitter. Criteria: Invitae Variant Classification Sherloc (09022015). Collection method: clinical testing. Allele origin: germline.
Comment: This sequence change replaces glutamic acid, which is acidic and polar, with aspartic acid, which is acidic and polar, at codon 420 of the SCN9A protein (p.Glu420Asp). In summary, the available evidence is currently insufficient to determine the role of this variant in disease. Therefore, it has been classified as a Variant of Uncertain Significance. Advanced modeling of protein sequence and biophysical properties (such as structural, functional, and spatial information, amino acid conservation, physicochemical variation, residue mobility, and thermodynamic stability) performed at Invitae indicates that this missense variant is not expected to disrupt SCN9A protein function. This variant has not been reported in the literature in individuals affected with SCN9A-related conditions. This variant is not present in population databases (gnomAD no frequency).

NM_001365536.1(SCN9A):c.1260A>C (p.Glu420Asp)

Genes: SCN9A (sodium voltage-gated channel alpha subunit 9; minus strand), SCN1A-AS1 (SCN1A and SCN9A antisense RNA 1; plus strand). Cytogenetic location: 2q24.3.
Variant type: single nucleotide variant.
Coding change: c.1260A>C on transcript NM_001365536.1 (MANE Select); coding-DNA position 1260, A replaced by C.
Protein change: p.Glu420Asp; replaces glutamic acid 420 with aspartic acid.
Molecular consequence: missense variant.
Genome position (GRCh38, 1-based): chr2:166,288,491, T>G on the plus strand (A>C on the coding strand, the complement: SCN9A is on the minus strand). VCF-style: chr2-166288491-T-G. GRCh37 (hg19) VCF-style: chr2-167145001-T-G.
Other names: c.1260A>C, p.Glu420Asp (NM_002977.4); short protein forms E420D.
Identifiers: ClinVar variation 2187528 (VCV002187528.4), dbSNP rs2468048156, ClinGen allele CA349085761.